The following is an entry in ClinVar:

ClinVar aggregate classification (germline): Uncertain significance. Review status: criteria provided, multiple submitters, no conflicts (2 of 4 stars). 2 submissions from 2 submitters: Uncertain significance (2). Last evaluated 2023-08-10.

Conditions:
Cardiovascular phenotype. Identifiers: MedGen CN230736.
Hypertrophic cardiomyopathy. Also called: HYPERTROPHIC MYOCARDIOPATHY. Identifiers: Orphanet 217569, MedGen C0007194, MeSH D002312, MONDO:0005045, HP:0001639.

Submissions (2):

Labcorp Genetics (formerly Invitae), Labcorp
Classification: Uncertain significance for Hypertrophic cardiomyopathy. Last evaluated: 2023-08-10. Review status: criteria provided, single submitter. Criteria: Invitae Variant Classification Sherloc (09022015). Collection method: clinical testing. Allele origin: germline.
Comment: In summary, the available evidence is currently insufficient to determine the role of this variant in disease. Therefore, it has been classified as a Variant of Uncertain Significance. An algorithm developed to predict the effect of missense changes on protein structure and function (PolyPhen-2) suggests that this variant is likely to be disruptive. ClinVar contains an entry for this variant (Variation ID: 1360648). This variant has not been reported in the literature in individuals affected with MYBPC3-related conditions. This variant is not present in population databases (gnomAD no frequency). This sequence change replaces glycine, which is neutral and non-polar, with glutamic acid, which is acidic and polar, at codon 675 of the MYBPC3 protein (p.Gly675Glu).

Ambry Genetics
Classification: Uncertain significance for Cardiovascular phenotype. Last evaluated: 2023-06-11. Review status: criteria provided, single submitter. Criteria: Ambry Variant Classification Scheme 2023. Collection method: clinical testing. Allele origin: germline.
Comment: The p.G675E variant (also known as c.2024G>A), located in coding exon 21 of the MYBPC3 gene, results from a G to A substitution at nucleotide position 2024. The glycine at codon 675 is replaced by glutamic acid, an amino acid with similar properties. This amino acid position is conserved. In addition, this alteration is predicted to be deleterious by in silico analysis. Since supporting evidence is limited at this time, the clinical significance of this alteration remains unclear.

NM_000256.3(MYBPC3):c.2024G>A (p.Gly675Glu)

Gene: MYBPC3 (myosin binding protein C3; minus strand). Cytogenetic location: 11p11.2.
Variant type: single nucleotide variant.
Coding change: c.2024G>A on transcript NM_000256.3 (MANE Select); coding-DNA position 2024, G replaced by A.
Protein change: p.Gly675Glu; replaces glycine 675 with glutamic acid.
Molecular consequence: missense variant.
Genome position (GRCh38, 1-based): chr11:47,339,694, C>T on the plus strand (G>A on the coding strand, the complement: MYBPC3 is on the minus strand). VCF-style: chr11-47339694-C-T. GRCh37 (hg19) VCF-style: chr11-47361245-C-T.
Other names: short protein forms G675E.
Identifiers: ClinVar variation 1360648 (VCV001360648.8), dbSNP rs2142857647, ClinGen allele CA380321537.
Genomic context (GRCh38, chr11:47,339,694, plus strand): 5'-GGAGGGACCCACAGTACCTGCGTGATAGCCTTCTGCCAGATCACAGTGGGAGCAGGGTCC[C>T]CAGAGATAGGGACGTCCAGACGTAGCTTATTTCCAGCTACAACCACAATGGTGTCTGGTA-3'
Protein context (NP_000247.2, residues 665-685): NKLRLDVPIS[Gly675Glu]DPAPTVIWQK